The following is an entry in ClinVar:

NM_000939.4(POMC):c.483T>C (p.Pro161=)

Gene: POMC (proopiomelanocortin; minus strand). Cytogenetic location: 2p23.3.
Variant type: single nucleotide variant.
Coding change: c.483T>C on transcript NM_000939.4 (MANE Select); coding-DNA position 483, T replaced by C.
Protein change: p.Pro161=; no amino-acid change (proline 161 retained).
Molecular consequence: synonymous variant.
Genome position (GRCh38, 1-based): chr2:25,161,402, A>G on the plus strand (T>C on the coding strand, the complement: POMC is on the minus strand). VCF-style: chr2-25161402-A-G. GRCh37 (hg19) VCF-style: chr2-25384271-A-G.
Other names: c.483T>C, p.Pro161= (NM_001035256.3, NM_001319204.2, NM_001319205.2).
Identifiers: ClinVar variation 4992930 (VCV004992930.1).

ClinVar aggregate classification (germline): Likely benign (1 of 4 stars; one submission).

Conditions:
POMC-related disorder. Also called: POMC-related condition; POMC-related disorders.

Submission:

PreventionGenetics, part of Exact Sciences
Classification: Likely benign for POMC-related condition. Last evaluated: 2025-05-23. Review status: criteria provided, single submitter. Criteria: ACMG Guidelines, 2015. Collection method: clinical testing. Allele origin: germline.
Comment: This variant is classified as likely benign based on ACMG/AMP sequence variant interpretation guidelines (Richards et al. 2015 PMID: 25741868, with internal and published modifications).